The following is an entry in ClinVar:

NC_000002.11:g.(?_233194517)_(233198703_?)dup

Gene: DIS3L2 (DIS3 like 3'-5' exoribonuclease 2; plus strand). Cytogenetic location: 2q37.1.
Variant type: Duplication.
Identifiers: ClinVar variation 531989 (VCV000531989.1).

ClinVar aggregate classification (germline): Uncertain significance (1 of 4 stars; one submission).

Conditions:
Perlman syndrome (PRLMNS). Identifiers: Orphanet 2849, MedGen C0796113, MONDO:0009965, OMIM 267000.

Submission:

Labcorp Genetics (formerly Invitae), Labcorp
Classification: Uncertain significance for Perlman syndrome. Last evaluated: 2017-09-13. Review status: criteria provided, single submitter. Criteria: Invitae Variant Classification Sherloc (09022015). Collection method: clinical testing. Allele origin: germline.
Comment: This variant is a gross duplication of the genomic region encompassing exons 15-21 of the DIS3L2 gene. The 5' boundary is likely confined to intron 14. The 3' end of this event is unknown as it extends beyond the assayed region for this gene and therefore may encompass additional genes. The exact location of this variant in the genome is unknown. Duplication of exons 15-21 has not been reported in the literature in individuals with DIS3L2-related disease. In summary, the exact genomic location of this variant is unknown and the impact of this duplication on DIS3L2 protein function has not been established. Therefore, it has been classified as a Variant of Uncertain Significance.